The following is an entry in ClinVar:

NM_007194.4(CHEK2):c.432del (p.Arg145fs)

Gene: CHEK2 (checkpoint kinase 2; minus strand). Cytogenetic location: 22q12.1.
Variant type: Deletion.
Coding change: c.432del on transcript NM_007194.4 (MANE Select); coding-DNA position 432, one base deleted (T; older notation c.432delT).
Protein change: p.Arg145fs; shifts the reading frame from arginine 145.
Molecular consequence: frameshift variant.
Genome position (GRCh38, 1-based): chr22:28,725,255, A deleted on the plus strand (T on the coding strand, the reverse complement: CHEK2 is on the minus strand); the first of 3 consecutive A bases (chr22:28,725,255-28,725,257); deleting any one gives the same sequence. VCF-style (leftmost placement, unchanged base first): chr22-28725254-GA-G. GRCh37 (hg19) VCF-style: chr22-29121242-GA-G.
Other names: c.559delT, p.Arg188Glyfs (NM_001005735.3); c.-348delT (NM_001257387.3); c.430delT, p.Arg145Glyfs (NM_001349956.3, NM_145862.3); c.432del (NM_007194.3); short protein forms R145fs, R188fs.
Identifiers: ClinVar variation 570117 (VCV000570117.20), dbSNP rs1555927148, ClinGen allele CA891844558.
Genomic context (GRCh38, chr22:28,725,254, plus strand): 5'-AATGACCAAATTACCAGCTCTCCTAGATACATGGGTATTCATTACCTACCCTGAAAATCC[GA>G]AAGTGTTTCTTGCTGTATGTTCGGTATTTATCTGTTCTTTTCAGCAGTGGTTCATCAAAG-3'

ClinVar aggregate classification (germline): Pathogenic/Likely pathogenic. Review status: criteria provided, multiple submitters, no conflicts (2 of 4 stars). 6 submissions from 6 submitters: Pathogenic (5); Likely pathogenic (1). Last evaluated 2025-04-07.

Conditions:
Hereditary cancer-predisposing syndrome. Also called: Hereditary neoplastic syndrome; Tumor predisposition; Neoplastic Syndromes, Hereditary; Hereditary Cancer Syndrome. Identifiers: Orphanet 140162, MedGen C0027672, MeSH D009386, MONDO:0015356.
Familial cancer of breast. Also called: hereditary breast carcinoma; BREAST CANCER, FAMILIAL; Hereditary breast cancer. Identifiers: Orphanet 227535, MedGen C0346153, MONDO:0016419, OMIM 114480. Disease mechanism: loss of function.

Submissions (6):

Quest Diagnostics Nichols Institute San Juan Capistrano
Classification: Pathogenic. Last evaluated: 2025-04-07. Review status: criteria provided, single submitter. Criteria: Quest Diagnostics criteria. Collection method: clinical testing. Allele origin: unknown.
Comment: The CHEK2 c.432del (p.Arg145Glyfs*16) variant alters the translational reading frame of the CHEK2 mRNA and causes the premature termination of CHEK2 protein synthesis. This variant has been reported in the published literature in in individuals with breast cancer (PMID: 33471991 (2021), see also LOVD) and colon polyps (PMID: 34148862 (2021)). This variant has not been reported in large, multi-ethnic general populations (Genome Aggregation Database). Based on the available information, this variant is classified as pathogenic.

Labcorp Genetics (formerly Invitae), Labcorp
Classification: Pathogenic for Familial cancer of breast. Last evaluated: 2025-03-26. Review status: criteria provided, single submitter. Criteria: Invitae Variant Classification Sherloc (09022015). Collection method: clinical testing. Allele origin: germline.
Comment: This sequence change creates a premature translational stop signal (p.Arg145Glyfs*16) in the CHEK2 gene. It is expected to result in an absent or disrupted protein product. Loss-of-function variants in CHEK2 are known to be pathogenic (PMID: 21876083, 24713400). This variant is not present in population databases (gnomAD no frequency). This premature translational stop signal has been observed in individual(s) with breast cancer (internal data). ClinVar contains an entry for this variant (Variation ID: 570117). For these reasons, this variant has been classified as Pathogenic.

Ambry Genetics
Classification: Pathogenic for Hereditary cancer-predisposing syndrome. Last evaluated: 2024-07-08. Review status: criteria provided, single submitter. Criteria: Ambry Variant Classification Scheme 2023. Collection method: clinical testing. Allele origin: germline.
Comment: The c.432delT pathogenic mutation, located in coding exon 2 of the CHEK2 gene, results from a deletion of one nucleotide at nucleotide position 432, causing a translational frameshift with a predicted alternate stop codon (p.R145Gfs*16). This variant is considered to be rare based on population cohorts in the Genome Aggregation Database (gnomAD). This alteration is expected to result in loss of function by premature protein truncation or nonsense-mediated mRNA decay. As such, this alteration is interpreted as a disease-causing mutation.

Baylor Genetics
Classification: Likely pathogenic for Familial cancer of breast. Last evaluated: 2024-03-11. Review status: criteria provided, single submitter. Criteria: ACMG Guidelines, 2015. Collection method: clinical testing. Allele origin: unknown.

Myriad Genetics, Inc.
Classification: Pathogenic for Familial cancer of breast. Last evaluated: 2023-06-23. Review status: criteria provided, single submitter. Criteria: Myriad Autosomal Dominant, Autosomal Recessive and X-Linked Classification Criteria (2023). Collection method: clinical testing. Allele origin: unknown.
Comment: This variant is considered pathogenic. This variant creates a frameshift predicted to result in premature protein truncation.

GeneDx
Classification: Pathogenic. Last evaluated: 2021-02-03. Review status: criteria provided, single submitter. Criteria: GeneDx Variant Classification Process June 2021. Collection method: clinical testing. Allele origin: germline. Affected: yes.
Comment: Frameshift variant predicted to result in protein truncation or nonsense mediated decay in a gene for which loss-of-function is a known mechanism of disease; Not observed in large population cohorts (Lek et al., 2016); Observed in individuals with breast cancer undergoing multi-gene hereditary cancer testing (Sutcliffe 2020); This variant is associated with the following publications: (PMID: 33258288, 32805687)

Literature cited by the submitters: PubMed 33258288 (cited by Quest Diagnostics Nichols Institute San Juan Capistrano); PubMed 32805687 (cited by Quest Diagnostics Nichols Institute San Juan Capistrano); PubMed 33471991 (cited by Quest Diagnostics Nichols Institute San Juan Capistrano); PubMed 34148862 (cited by Quest Diagnostics Nichols Institute San Juan Capistrano); PubMed 21876083 (cited by Labcorp Genetics (formerly Invitae), Labcorp); PubMed 24713400 (cited by Labcorp Genetics (formerly Invitae), Labcorp).